The following is an entry in ClinVar:

ClinVar aggregate classification (germline): Uncertain significance. Review status: criteria provided, multiple submitters, no conflicts (2 of 4 stars). 2 submissions from 2 submitters: Uncertain significance (2). Last evaluated 2024-05-03.

Conditions:
Wilson disease (WND). Also called: Wilson's disease. Identifiers: Orphanet 905, MedGen C0019202, MONDO:0010200, OMIM 277900. Disease mechanism: loss of function.

Allele frequency attached by ClinVar (database versions not stated): gnomAD exomes below 0.00001.

Submissions (2):

Women's Health and Genetics/Laboratory Corporation of America, LabCorp
Classification: Uncertain significance. Last evaluated: 2024-05-03. Review status: criteria provided, single submitter. Criteria: LabCorp Variant Classification Summary - May 2015. Collection method: clinical testing. Allele origin: germline.
Comment: Variant summary: ATP7B c.3074T>C (p.Met1025Thr) results in a non-conservative amino acid change located in the P-type ATPase, haloacid dehalogenase domain (IPR044492) of the encoded protein sequence. Five of five in-silico tools predict a damaging effect of the variant on protein function. The variant was absent in 247102 control chromosomes. The available data on variant occurrences in the general population are insufficient to allow any conclusion about variant significance. To our knowledge, no occurrence of c.3074T>C in individuals affected with Wilson Disease and no experimental evidence demonstrating its impact on protein function have been reported. ClinVar contains an entry for this variant (Variation ID: 3072896). Based on the evidence outlined above, the variant was classified as uncertain significance.

All of Us Research Program, National Institutes of Health
Classification: Uncertain significance for Wilson disease. Last evaluated: 2023-08-15. Review status: criteria provided, single submitter. Criteria: ACMG Guidelines, 2015. Collection method: clinical testing. Allele origin: germline. Inheritance: Autosomal recessive inheritance. Observed: 1 variant allele, 1 heterozygote.
Comment: This missense variant replaces methionine with threonine at codon 1025 of the ATP7B protein. Computational prediction suggests that this variant may have deleterious impact on protein structure and function (internally defined REVEL score threshold >= 0.7, PMID: 27666373). To our knowledge, functional studies have not been reported for this variant. This variant has not been reported in individuals affected with ATP7B-related disorders in the literature. This variant has not been identified in the general population by the Genome Aggregation Database (gnomAD). The available evidence is insufficient to determine the role of this variant in disease conclusively. Therefore, this variant is classified as a Variant of Uncertain Significance.

This study involves interpretation of variants in research participants for the purpose of population health screening. Participant phenotype was not available at the time of variant classification. Additional details can be found in publication PMID: 35346344, PMCID: PMC8962531

NM_000053.4(ATP7B):c.3074T>C (p.Met1025Thr)

Gene: ATP7B (ATPase copper transporting beta; minus strand). Cytogenetic location: 13q14.3.
Variant type: single nucleotide variant.
Coding change: c.3074T>C on transcript NM_000053.4 (MANE Select); coding-DNA position 3074, T replaced by C.
Protein change: p.Met1025Thr; replaces methionine 1025 with threonine.
Molecular consequence: missense variant. On other transcripts: intron variant (1).
Genome position (GRCh38, 1-based): chr13:51,944,278, A>G on the plus strand (T>C on the coding strand, the complement: ATP7B is on the minus strand). VCF-style: chr13-51944278-A-G. GRCh37 (hg19) VCF-style: chr13-52518414-A-G.
Other names: c.2822T>C, p.Met941Thr (NM_001406531.1, NM_001406532.1, NM_001330579.2); c.2786T>C, p.Met929Thr (NM_001406534.1); c.2744T>C, p.Met915Thr (NM_001406535.1, NM_001406536.1); c.2735T>C, p.Met912Thr (NM_001406537.1); c.2840T>C, p.Met947Thr (NM_001406538.1, NM_001330578.2, NM_001406527.1 and 1 more transcripts); c.2645T>C, p.Met882Thr (NM_001406539.1); c.2627T>C, p.Met876Thr (NM_001406540.1); c.2588T>C, p.Met863Thr (NM_001406541.1, NM_001406542.1); and 19 more; short protein forms M1007T, M1014T, M1023T, M1025T, M595T, M744T, M798T, M809T.
Identifiers: ClinVar variation 3072896 (VCV003072896.2), dbSNP rs1555286633, ClinGen allele CA388030698.